The following is an entry in ClinVar:

NM_032656.4(DHX37):c.1513G>A (p.Asp505Asn)

Gene: DHX37 (DEAH-box helicase 37; minus strand). Cytogenetic location: 12q24.31.
Variant type: single nucleotide variant.
Coding change: c.1513G>A on transcript NM_032656.4 (MANE Select); coding-DNA position 1513, G replaced by A.
Protein change: p.Asp505Asn; replaces aspartic acid 505 with asparagine.
Molecular consequence: missense variant.
Genome position (GRCh38, 1-based): chr12:124,966,870, C>T on the plus strand (G>A on the coding strand, the complement: DHX37 is on the minus strand). VCF-style: chr12-124966870-C-T. GRCh37 (hg19) VCF-style: chr12-125451416-C-T.
Other names: c.1513G>A (NM_032656.3); short protein forms D505N.
Identifiers: ClinVar variation 2753950 (VCV002753950.4), dbSNP rs367809292, ClinGen allele CA6871987.

ClinVar aggregate classification (germline): Uncertain significance. Review status: criteria provided, multiple submitters, no conflicts (2 of 4 stars). 2 submissions from 2 submitters: Uncertain significance (2). Last evaluated 2024-09-08.

Conditions:
Inborn genetic diseases. Identifiers: MedGen C0950123, MeSH D030342.

Allele frequency attached by ClinVar (database versions not stated): ExAC 0.00002; TOPMed 0.00002; gnomAD 0.00003; gnomAD exomes 0.00005; 1000 Genomes Project 30x 0.00016; 1000 Genomes Project 0.00020.
gnomAD v4.1: 78 of 1,614,238 alleles (0.0048%); highest among the groups gnomAD compares: East Asian, 0.013%; no homozygotes.

Submissions (2):

Ambry Genetics
Classification: Uncertain significance for Inborn genetic diseases. Last evaluated: 2024-09-08. Review status: criteria provided, single submitter. Criteria: Ambry Variant Classification Scheme 2023. Collection method: clinical testing. Allele origin: germline.

Labcorp Genetics (formerly Invitae), Labcorp
Classification: Uncertain significance. Last evaluated: 2022-10-31. Review status: criteria provided, single submitter. Criteria: Invitae Variant Classification Sherloc (09022015). Collection method: clinical testing. Allele origin: germline.
Comment: Algorithms developed to predict the effect of missense changes on protein structure and function (SIFT, PolyPhen-2, Align-GVGD) all suggest that this variant is likely to be tolerated. In summary, the available evidence is currently insufficient to determine the role of this variant in disease. Therefore, it has been classified as a Variant of Uncertain Significance. This variant has not been reported in the literature in individuals affected with DHX37-related conditions. This variant is present in population databases (rs367809292, gnomAD 0.02%). This sequence change replaces aspartic acid, which is acidic and polar, with asparagine, which is neutral and polar, at codon 505 of the DHX37 protein (p.Asp505Asn).